The following is an entry in ClinVar:

ClinVar aggregate classification (germline): Uncertain significance. Review status: criteria provided, single submitter (1 of 4 stars). 2 submissions from 2 submitters: Uncertain significance (1). 1 of the submissions does not count toward it. Last evaluated 2025-01-18.

Conditions:
RPGRIP1L-related disorder. Also called: RPGRIP1L-related condition; RPGRIP1L-related disorders. Identifiers: MedGen CN239416.
Joubert syndrome. Also called: Familial aplasia of the vermis; JOUBERT-BOLTSHAUSER SYNDROME. Identifiers: Orphanet 475, MedGen C5979921, MONDO:0018772.

Allele frequency attached by ClinVar (database versions not stated): gnomAD exomes below 0.00001; gnomAD 0.00001.
gnomAD v4.1: 2 of 1,613,906 alleles (0.00012%); highest among the groups gnomAD compares: African/African-American, 0.0013%; no homozygotes.

Submissions (2):

PreventionGenetics, part of Exact Sciences
Classification: Uncertain significance for RPGRIP1L-related condition. Last evaluated: 2025-01-18. Review status: criteria provided, single submitter. Criteria: ACMG Guidelines, 2015. Collection method: clinical testing. Allele origin: germline.
Comment: The RPGRIP1L c.2732A>G variant is predicted to result in the amino acid substitution p.His911Arg. To our knowledge, this variant has not been reported in the literature. This variant is reported in 1 out of ~31,400 alleles in gnomAD. At this time, the clinical significance of this variant is uncertain due to the absence of conclusive functional and genetic evidence.

Natera, Inc.
Classification: Uncertain significance for Joubert syndrome. Last evaluated: 2020-08-13. Review status: no assertion criteria provided. Collection method: clinical testing. Allele origin: germline. Not counted in ClinVar's aggregate classification.

NM_015272.5(RPGRIP1L):c.2732A>G (p.His911Arg)

Gene: RPGRIP1L (RPGRIP1 like; minus strand). Cytogenetic location: 16q12.2.
Variant type: single nucleotide variant.
Coding change: c.2732A>G on transcript NM_015272.5 (MANE Select); coding-DNA position 2732, A replaced by G.
Protein change: p.His911Arg; replaces histidine 911 with arginine.
Molecular consequence: missense variant.
Genome position (GRCh38, 1-based): chr16:53,641,427, T>C on the plus strand (A>G on the coding strand, the complement: RPGRIP1L is on the minus strand). VCF-style: chr16-53641427-T-C. GRCh37 (hg19) VCF-style: chr16-53675339-T-C.
Other names: c.2732A>G, p.His911Arg (NM_001127897.4, NM_001308334.3, NM_001330538.2); c.2732A>G (NM_015272.4); short protein forms H911R.
Identifiers: ClinVar variation 991016 (VCV000991016.3), dbSNP rs1391430738, ClinGen allele CA395927405.